The following is an entry in ClinVar:

ClinVar aggregate classification (germline): Uncertain significance. Review status: criteria provided, multiple submitters, no conflicts (2 of 4 stars). 3 submissions from 3 submitters: Uncertain significance (3). Last evaluated 2025-04-21.

Conditions:
MYH14-related disorder. Also called: MYH14-related condition.

Allele frequency attached by ClinVar (database versions not stated): gnomAD exomes 0.00008 and 0.00007; ExAC 0.00009; gnomAD 0.00018 and 0.00020; TOPMed 0.00022; ESP Exome Variant Server 0.00024.
gnomAD v4.1: 119 of 1,607,764 alleles (0.0074%); highest among the groups gnomAD compares: African/African-American, 0.052%; no homozygotes.

Submissions (3):

Labcorp Genetics (formerly Invitae), Labcorp
Classification: Uncertain significance. Last evaluated: 2025-04-21. Review status: criteria provided, single submitter. Criteria: Invitae Variant Classification Sherloc (09022015). Collection method: clinical testing. Allele origin: germline.
Comment: This sequence change replaces arginine, which is basic and polar, with cysteine, which is neutral and slightly polar, at codon 680 of the MYH14 protein (p.Arg680Cys). This variant is present in population databases (rs373929652, gnomAD 0.05%), and has an allele count higher than expected for a pathogenic variant. This variant has not been reported in the literature in individuals affected with MYH14-related conditions. ClinVar contains an entry for this variant (Variation ID: 546353). Invitae Evidence Modeling of protein sequence and biophysical properties (such as structural, functional, and spatial information, amino acid conservation, physicochemical variation, residue mobility, and thermodynamic stability) indicates that this missense variant is expected to disrupt MYH14 protein function with a positive predictive value of 80%. In summary, the available evidence is currently insufficient to determine the role of this variant in disease. Therefore, it has been classified as a Variant of Uncertain Significance.

PreventionGenetics, part of Exact Sciences
Classification: Uncertain significance for MYH14-related condition. Last evaluated: 2025-02-19. Review status: criteria provided, single submitter. Criteria: ACMG Guidelines, 2015. Collection method: clinical testing. Allele origin: germline.
Comment: The MYH14 c.2161C>T variant is predicted to result in the amino acid substitution p.Arg721Cys. This variant has been reported in an individual with bronchopulmonary dysplasia (Table 3, Hadchouel. 2019. PubMed ID: 31848748). This variant is reported in 0.048% of alleles in individuals of African descent in gnomAD. Although we suspect that this variant may be benign, at this time, the clinical significance of this variant is uncertain due to the absence of conclusive functional and genetic evidence.

GeneDx
Classification: Uncertain significance. Last evaluated: 2024-05-20. Review status: criteria provided, single submitter. Criteria: GeneDx Variant Classification Process June 2021. Collection method: clinical testing. Allele origin: germline. Affected: yes.
Comment: Identified in a patient with myopathy, neuropathy, and sensorineural hearing loss in published literature (PMID: 34103343); In silico analysis supports that this missense variant has a deleterious effect on protein structure/function; This variant is associated with the following publications: (PMID: 34103343, 31848748)

NM_001145809.2(MYH14):c.2161C>T (p.Arg721Cys)

Gene: MYH14 (myosin heavy chain 14; plus strand). Cytogenetic location: 19q13.33.
Variant type: single nucleotide variant.
Coding change: c.2161C>T on transcript NM_001145809.2 (MANE Select); coding-DNA position 2161, C replaced by T.
Protein change: p.Arg721Cys; replaces arginine 721 with cysteine.
Molecular consequence: missense variant.
Genome position (GRCh38, 1-based): chr19:50,257,415, C>T. VCF-style: chr19-50257415-C-T. GRCh37 (hg19) VCF-style: chr19-50760672-C-T.
Other names: c.2161C>T (NM_001145809.1); c.2062C>T, p.Arg688Cys (NM_001077186.2); c.2038C>T, p.Arg680Cys (NM_024729.4); short protein forms R680C, R721C, R688C.
Identifiers: ClinVar variation 546353 (VCV000546353.12), dbSNP rs373929652, ClinGen allele CA9592805.
Genomic context (GRCh38, chr19:50,257,415, plus strand): 5'-GGCCGCCCCCGTCGGGGTATGTTCCGGACAGTGGGACAGCTCTACAAGGAGTCCCTGAGC[C>T]GCCTCATGGCCACACTCAGCAACACCAACCCCAGTTTTGTCCGCTGCATTGTCCCCAACC-3'
Protein context (NP_001139281.1, residues 711-731): VGQLYKESLS[Arg721Cys]LMATLSNTNP